The following is an entry in ClinVar:

ClinVar aggregate classification (germline): Uncertain significance (1 of 4 stars; one submission).

Allele frequency attached by ClinVar (database versions not stated): TOPMed 0.00001.
gnomAD v4.1: 7 of 1,614,092 alleles (0.00043%); highest among the groups gnomAD compares: Non-Finnish European, 0.00059%; no homozygotes.

Submission:

Labcorp Genetics (formerly Invitae), Labcorp
Classification: Uncertain significance. Last evaluated: 2022-05-03. Review status: criteria provided, single submitter. Criteria: Invitae Variant Classification Sherloc (09022015). Collection method: clinical testing. Allele origin: germline.
Comment: This sequence change replaces threonine, which is neutral and polar, with serine, which is neutral and polar, at codon 255 of the ACAD9 protein (p.Thr255Ser). This variant is not present in population databases (gnomAD no frequency). This variant has not been reported in the literature in individuals affected with ACAD9-related conditions. Advanced modeling of protein sequence and biophysical properties (such as structural, functional, and spatial information, amino acid conservation, physicochemical variation, residue mobility, and thermodynamic stability) performed at Invitae indicates that this missense variant is not expected to disrupt ACAD9 protein function. In summary, the available evidence is currently insufficient to determine the role of this variant in disease. Therefore, it has been classified as a Variant of Uncertain Significance.

NM_014049.5(ACAD9):c.764C>G (p.Thr255Ser)

Gene: ACAD9 (acyl-CoA dehydrogenase family member 9; plus strand). Cytogenetic location: 3q21.3.
Variant type: single nucleotide variant.
Coding change: c.764C>G on transcript NM_014049.5 (MANE Select); coding-DNA position 764, C replaced by G.
Protein change: p.Thr255Ser; replaces threonine 255 with serine.
Molecular consequence: missense variant. On other transcripts: non-coding transcript variant (1).
Genome position (GRCh38, 1-based): chr3:128,899,417, C>G. VCF-style: chr3-128899417-C-G. GRCh37 (hg19) VCF-style: chr3-128618260-C-G.
Other names: c.395C>G, p.Thr132Ser (NM_001410805.1); short protein forms T132S, T255S.
Identifiers: ClinVar variation 2084698 (VCV002084698.1), dbSNP rs559558405, ClinGen allele CA354434691.